The following is an entry in ClinVar:

ClinVar aggregate classification (germline): Pathogenic (1 of 4 stars; one submission).

Conditions:
Hereditary cancer-predisposing syndrome. Also called: Neoplastic Syndromes, Hereditary; Tumor predisposition; Hereditary Cancer Syndrome; Hereditary neoplastic syndrome. Identifiers: Orphanet 140162, MedGen C0027672, MeSH D009386, MONDO:0015356.

Submission:

Ambry Genetics
Classification: Pathogenic for Hereditary cancer-predisposing syndrome. Last evaluated: 2018-09-28. Review status: criteria provided, single submitter. Criteria: Ambry Variant Classification Scheme 2023. Collection method: clinical testing. Allele origin: germline.
Comment: The c.114dupC pathogenic mutation, located in coding exon 1 of the MSH6 gene, results from a duplication of C at nucleotide position 114, causing a translational frameshift with a predicted alternate stop codon (p.G39Rfs*51). This alteration is expected to result in loss of function by premature protein truncation or nonsense-mediated mRNA decay. As such, this alteration is interpreted as a disease-causing mutation.

NM_000179.3(MSH6):c.114dup (p.Gly39fs)

Gene: MSH6 (mutS homolog 6; plus strand). Cytogenetic location: 2p16.3.
Variant type: Duplication.
Coding change: c.114dup on transcript NM_000179.3 (MANE Select); coding-DNA position 114, one base duplicated (C; older notation c.114dupC).
Protein change: p.Gly39fs; shifts the reading frame from glycine 39.
Molecular consequence: frameshift variant. On other transcripts: 5 prime UTR variant (1).
Genome position (GRCh38, 1-based): chr2:47,783,347, C duplicated; the last of 5 consecutive C bases (chr2:47,783,343-47,783,347); duplicating any one gives the same sequence. VCF-style (leftmost placement, unchanged base first): chr2-47783342-G-GC. GRCh37 (hg19) VCF-style: chr2-48010481-G-GC.
Other names: c.114dup, p.Gly39fs (NM_001281492.2); c.-623dup (NM_001281493.2, NM_001406811.1); c.114dup, p.Gly39Argfs (NM_001406795.1, NM_001406796.1, NM_001406798.1 and 8 more transcripts); c.-215dup (NM_001406799.1); c.59dup, p.Pro22Alafs (NM_001406804.1); c.-815dup (NM_001406807.1); c.-470dup (NM_001406812.1); c.-881dup (NM_001406814.1); and 2 more; short protein forms G39fs.
Identifiers: ClinVar variation 1733665 (VCV001733665.2), dbSNP rs1558644995, ClinGen allele CA2580067006.